The following is an entry in ClinVar:

ClinVar aggregate classification (germline): Likely benign. Review status: criteria provided, multiple submitters, no conflicts (2 of 4 stars). 2 submissions from 2 submitters: Likely benign (2). Last evaluated 2025-10-13.

Conditions:
POLD1-related polyposis and colorectal cancer syndrome (CRCS10). Also called: Colorectal cancer, susceptibility to, 10; Colorectal cancer 10; COLORECTAL CANCER, SUSCEPTIBILITY TO, ON CHROMOSOME 19q. Identifiers: Orphanet 220460, MedGen C2675481, MONDO:0012953, OMIM 612591.

Allele frequency attached by ClinVar (database versions not stated): gnomAD 0.00001; gnomAD exomes 0.00001 and 0.00002; TOPMed 0.00001.
gnomAD v4.1: 10 of 1,551,050 alleles (0.00064%); highest among the groups gnomAD compares: Non-Finnish European, 0.00078%; no homozygotes.

Submissions (2):

Labcorp Genetics (formerly Invitae), Labcorp
Classification: Likely benign for POLD1-related polyposis and colorectal cancer syndrome. Last evaluated: 2025-10-13. Review status: criteria provided, single submitter. Criteria: Invitae Variant Classification Sherloc (09022015). Collection method: clinical testing. Allele origin: germline.

GeneDx
Classification: Likely benign. Last evaluated: 2016-02-09. Review status: criteria provided, single submitter. Criteria: GeneDx Variant Classification (06012015). Collection method: clinical testing. Allele origin: germline. Affected: yes.
Comment: This variant is considered likely benign or benign based on one or more of the following criteria: it is a conservative change, it occurs at a poorly conserved position in the protein, it is predicted to be benign by multiple in silico algorithms, and/or has population frequency not consistent with disease.

NM_002691.4(POLD1):c.202+11G>A

Gene: POLD1 (DNA polymerase delta 1, catalytic subunit; plus strand). Cytogenetic location: 19q13.33.
Variant type: single nucleotide variant.
Coding change: c.202+11G>A on transcript NM_002691.4 (MANE Select); 11 bases into the intron after coding-DNA position 202, G replaced by A.
Molecular consequence: intron variant.
Genome position (GRCh38, 1-based): chr19:50,399,064, G>A. VCF-style: chr19-50399064-G-A. GRCh37 (hg19) VCF-style: chr19-50902321-G-A.
Other names: c.202+11G>A (LRG_785t1, LRG_785t2, NM_001256849.1 and 1 more transcripts).
Identifiers: ClinVar variation 383797 (VCV000383797.8), dbSNP rs766194313, ClinGen allele CA16607895.
Genomic context (GRCh38, chr19:50,399,064, plus strand): 5'-GGAGCAGGAGGAGGAGGAGCTGCAGTCAGTCCTGGAGGGGGTTGCAGACGGTAAGGCTTG[G>A]AGTTGGAGGTTCCTGCTGCCCAACCCATTGCCCCTGGTCTTGCCTTTGGTCCAAGAGTCA-3'